The following is an entry in ClinVar:

ClinVar aggregate classification (germline): Uncertain significance (1 of 4 stars; one submission).

Submission:

Ambry Genetics
Classification: Uncertain significance. Last evaluated: 2025-07-15. Review status: criteria provided, single submitter. Criteria: Ambry Variant Classification Scheme 2023. Collection method: clinical testing. Allele origin: germline.
Comment: The p.L122F variant (also known as c.366A>T), located in coding exon 4 of the KIF1B gene, results from an A to T substitution at nucleotide position 366. The leucine at codon 122 is replaced by phenylalanine, an amino acid with highly similar properties. This amino acid position is conserved. In addition, the in silico prediction for this alteration is inconclusive. Since supporting evidence is limited at this time, the clinical significance of this alteration remains unclear.

NM_001365951.3(KIF1B):c.366A>T (p.Leu122Phe)

Genes: KIF1B (kinesin family member 1B; plus strand), LOC129388447 (MPRA-validated peak65 silencer; plus strand). Cytogenetic location: 1p36.22.
Variant type: single nucleotide variant.
Coding change: c.366A>T on transcript NM_001365951.3 (MANE Select); coding-DNA position 366, A replaced by T.
Protein change: p.Leu122Phe; replaces leucine 122 with phenylalanine.
Molecular consequence: missense variant.
Genome position (GRCh38, 1-based): chr1:10,261,907, A>T. VCF-style: chr1-10261907-A-T. GRCh37 (hg19) VCF-style: chr1-10321965-A-T.
Other names: c.366A>T, p.Leu122Phe (NM_001365952.1, NM_001365953.1, NM_015074.3 and 1 more transcripts); short protein forms L122F.
Identifiers: ClinVar variation 2560514 (VCV002560514.3), dbSNP rs2520966425, ClinGen allele CA338326872.